The following is an entry in ClinVar:

ClinVar aggregate classification (germline): Uncertain significance (1 of 4 stars; one submission).

Conditions:
Hereditary breast ovarian cancer syndrome. Also called: Hereditary breast and ovarian cancer; BRCA1- and BRCA2-Associated Hereditary Breast and Ovarian Cancer; Hereditary breast and ovarian cancer syndrome; Breast and ovarian cancer; Hereditary breast and ovarian cancer syndrome (HBOC); Hereditary breast and/or ovarian cancer syndrome. Identifiers: Orphanet 145, MedGen C0677776, MeSH D061325, MONDO:0003582. Disease mechanism: loss of function.

Allele frequency attached by ClinVar (database versions not stated): gnomAD exomes below 0.00001.
gnomAD v4.1: 2 of 1,614,124 alleles (0.00012%); highest among the groups gnomAD compares: South Asian, 0.0011%; no homozygotes.

Submission:

Labcorp Genetics (formerly Invitae), Labcorp
Classification: Uncertain significance for Hereditary breast ovarian cancer syndrome. Last evaluated: 2022-12-15. Review status: criteria provided, single submitter. Criteria: Invitae Variant Classification Sherloc (09022015). Collection method: clinical testing. Allele origin: germline.
Comment: In summary, the available evidence is currently insufficient to determine the role of this variant in disease. Therefore, it has been classified as a Variant of Uncertain Significance. Advanced modeling of protein sequence and biophysical properties (such as structural, functional, and spatial information, amino acid conservation, physicochemical variation, residue mobility, and thermodynamic stability) performed at Invitae indicates that this missense variant is not expected to disrupt BRCA2 protein function. This variant has not been reported in the literature in individuals affected with BRCA2-related conditions. This variant is present in population databases (no rsID available, gnomAD 0.004%). This sequence change replaces asparagine, which is neutral and polar, with aspartic acid, which is acidic and polar, at codon 56 of the BRCA2 protein (p.Asn56Asp).

NM_000059.4(BRCA2):c.166A>G (p.Asn56Asp)

Gene: BRCA2 (BRCA2 DNA repair associated; plus strand). Cytogenetic location: 13q13.1.
Variant type: single nucleotide variant.
Coding change: c.166A>G on transcript NM_000059.4 (MANE Select); coding-DNA position 166, A replaced by G.
Protein change: p.Asn56Asp; replaces asparagine 56 with aspartic acid.
Molecular consequence: missense variant. On other transcripts: 5 prime UTR variant (1), non-coding transcript variant (1).
Genome position (GRCh38, 1-based): chr13:32,319,175, A>G. VCF-style: chr13-32319175-A-G. GRCh37 (hg19) VCF-style: chr13-32893312-A-G.
Other names: c.166A>G, p.Asn56Asp (NM_001406719.1, NM_001406720.1, NM_001406721.1); c.-204A>G (NM_001406722.1); short protein forms N56D.
Identifiers: ClinVar variation 2820980 (VCV002820980.3), dbSNP rs1192851278, ClinGen allele CA387754318.